The following is an entry in ClinVar:

ClinVar aggregate classification (germline): Pathogenic (1 of 4 stars; one submission).

Conditions:
Mucopolysaccharidosis type 1. Also called: Mucopolysaccharidosis Type I; IDUA deficiency; MPS I. Identifiers: Orphanet 579, MedGen C0023786, MONDO:0001586.

Submission:

Labcorp Genetics (formerly Invitae), Labcorp
Classification: Pathogenic for Mucopolysaccharidosis type 1. Last evaluated: 2019-10-24. Review status: criteria provided, single submitter. Criteria: Invitae Variant Classification Sherloc (09022015). Collection method: clinical testing. Allele origin: germline.
Comment: Loss-of-function variants in IDUA are known to be pathogenic (PMID: 11735025, 21480867). For these reasons, this variant has been classified as Pathogenic. This variant has not been reported in the literature in individuals with IDUA-related conditions. This variant is not present in population databases (ExAC no frequency). This sequence change creates a premature translational stop signal (p.His82Serfs*50) in the IDUA gene. It is expected to result in an absent or disrupted protein product.

Literature cited by the submitters: PubMed 11735025; PubMed 21480867.

NM_000203.5(IDUA):c.242dup (p.His82fs)

Genes: IDUA (alpha-L-iduronidase; plus strand), SLC26A1 (solute carrier family 26 member 1; minus strand). Cytogenetic location: 4p16.3.
Variant type: Duplication.
Coding change: c.242dup on transcript NM_000203.5 (MANE Select); coding-DNA position 242, one base duplicated (C; older notation c.242dupC).
Protein change: p.His82fs; shifts the reading frame from histidine 82.
Molecular consequence: frameshift variant. On other transcripts: 3 prime UTR variant (2), non-coding transcript variant (1), intron variant (1).
Genome position (GRCh38, 1-based): chr4:987,892, C duplicated; the last of 3 consecutive C bases (chr4:987,890-987,892); duplicating any one gives the same sequence. VCF-style (leftmost placement, unchanged base first): chr4-987889-T-TC. GRCh37 (hg19) VCF-style: chr4-981677-T-TC.
Other names: c.*943dup (NM_022042.4, NM_213613.4); c.576+3238dup (NM_134425.4); short protein forms H82fs.
Identifiers: ClinVar variation 958472 (VCV000958472.8), dbSNP rs1713866822, ClinGen allele CA1139658397.